The following is an entry in ClinVar:

NM_000088.4(COL1A1):c.3369+1G>A

Gene: COL1A1 (collagen type I alpha 1 chain; minus strand). Cytogenetic location: 17q21.33.
Variant type: single nucleotide variant.
Coding change: c.3369+1G>A on transcript NM_000088.4 (MANE Select); the canonical splice donor site of the intron after coding-DNA position 3369, G replaced by A.
Molecular consequence: splice donor variant.
Genome position (GRCh38, 1-based): chr17:50,187,875, C>T on the plus strand (G>A on the coding strand, the complement: COL1A1 is on the minus strand). VCF-style: chr17-50187875-C-T. GRCh37 (hg19) VCF-style: chr17-48265236-C-T.
Identifiers: ClinVar variation 864825 (VCV000864825.10), dbSNP rs1906695650, ClinGen allele CA400199468.
Genomic context (GRCh38, chr17:50,187,875, plus strand): 5'-AAGCTCCCCCTCCTATCCCACAGCACAGCATGGGGACTGGGGAGGGGCTGAGCATACTTA[C>T]AGGAGGGCCAGGGGGACCCTGGAGGCCAGAGAAGCCACGGTGACCCTTTATGCCTCTGTC-3'

ClinVar aggregate classification (germline): Pathogenic (1 of 4 stars; one submission).

Conditions:
Osteogenesis imperfecta type I (OI1). Also called: OI, TYPE I; OSTEOGENESIS IMPERFECTA TARDA; OSTEOGENESIS IMPERFECTA WITH BLUE SCLERAE; Lobstein's Disease; Osteogenesis imperfecta type 1; Lobstein disease. Identifiers: Orphanet 216796, Orphanet 666, MedGen C0023931, MONDO:0008146, OMIM 166200. Disease mechanism: loss of function.

Submission:

Labcorp Genetics (formerly Invitae), Labcorp
Classification: Pathogenic for Osteogenesis imperfecta type I. Last evaluated: 2024-03-01. Review status: criteria provided, single submitter. Criteria: Invitae Variant Classification Sherloc (09022015). Collection method: clinical testing. Allele origin: germline.
Comment: This sequence change affects a donor splice site in intron 45 of the COL1A1 gene. It is expected to disrupt RNA splicing. Variants that disrupt the donor or acceptor splice site typically lead to a loss of protein function (PMID: 16199547), and loss-of-function variants in COL1A1 are known to be pathogenic (PMID: 7942841, 9295084, 9443882). This variant is not present in population databases (gnomAD no frequency). Disruption of this splice site has been observed in individuals with osteogenesis imperfecta (PMID: 25963598, 27519266). ClinVar contains an entry for this variant (Variation ID: 864825). Algorithms developed to predict the effect of sequence changes on RNA splicing suggest that this variant may disrupt the consensus splice site. For these reasons, this variant has been classified as Pathogenic.

Literature cited by the submitters: PubMed 16199547; PubMed 7942841; PubMed 9295084; PubMed 9443882; PubMed 25963598; PubMed 27519266.